The following is an entry in ClinVar:

ClinVar aggregate classification (germline): Uncertain significance (1 of 4 stars; one submission).

Conditions:
Inborn genetic diseases. Identifiers: MedGen C0950123, MeSH D030342.

Submission:

Ambry Genetics
Classification: Uncertain significance for Inborn genetic diseases. Last evaluated: 2026-08-04. Review status: criteria provided, single submitter. Criteria: Ambry Variant Classification Scheme 2023. Collection method: clinical testing. Allele origin: germline.
Comment: The p.T624A variant (also known as c.1870A>G), located in coding exon 18 of the ANKRD26 gene, results from an A to G substitution at nucleotide position 1870. The threonine at codon 624 is replaced by alanine, an amino acid with similar properties. This amino acid position is conserved. In addition, this alteration is predicted to be tolerated by in silico analysis. Based on the available evidence, the clinical significance of this variant remains unclear.

NM_014915.3(ANKRD26):c.1870A>G (p.Thr624Ala)

Gene: ANKRD26 (ankyrin repeat domain 26; minus strand). Cytogenetic location: 10p12.1.
Variant type: single nucleotide variant.
Coding change: c.1870A>G on transcript NM_014915.3 (MANE Select); coding-DNA position 1870, A replaced by G.
Protein change: p.Thr624Ala; replaces threonine 624 with alanine.
Molecular consequence: missense variant.
Genome position (GRCh38, 1-based): chr10:27,046,468, T>C on the plus strand (A>G on the coding strand, the complement: ANKRD26 is on the minus strand). VCF-style: chr10-27046468-T-C. GRCh37 (hg19) VCF-style: chr10-27335397-T-C.
Other names: c.1867A>G, p.Thr623Ala (NM_001256053.2); short protein forms T624A, T623A.
Identifiers: ClinVar variation 5023450 (VCV005023450.1).